The following is an entry in ClinVar:

ClinVar aggregate classification (germline): Likely benign. Review status: criteria provided, single submitter (1 of 4 stars). 2 submissions from 2 submitters: Likely benign (1). 1 of the submissions does not count toward it. Last evaluated 2024-09-02.

Conditions:
G6PD-related disorder. Also called: G6PD-related condition.

Allele frequency attached by ClinVar (database versions not stated): gnomAD exomes below 0.00001.

Submissions (2):

Blueprint Genetics
Classification: Likely benign. Last evaluated: 2024-09-02. Review status: criteria provided, single submitter. Criteria: ACMG Guidelines, 2015. Collection method: clinical testing. Allele origin: germline.

PreventionGenetics, part of Exact Sciences
Classification: Likely benign for G6PD-related condition. Last evaluated: 2023-11-30. Review status: no assertion criteria provided. Collection method: clinical testing. Allele origin: germline. Not counted in ClinVar's aggregate classification.
Comment: This variant is classified as likely benign based on ACMG/AMP sequence variant interpretation guidelines (Richards et al. 2015 PMID: 25741868, with internal and published modifications).

NM_001360016.2(G6PD):c.546G>A (p.Arg182=)

Gene: G6PD (glucose-6-phosphate dehydrogenase; minus strand). Cytogenetic location: Xq28.
Variant type: single nucleotide variant.
Coding change: c.546G>A on transcript NM_001360016.2 (MANE Select); coding-DNA position 546, G replaced by A.
Protein change: p.Arg182=; no amino-acid change (arginine 182 retained).
Molecular consequence: synonymous variant.
Genome position (GRCh38, 1-based): chrX:154,534,436, C>T on the plus strand (G>A on the coding strand, the complement: G6PD is on the minus strand). VCF-style: chrX-154534436-C-T. GRCh37 (hg19) VCF-style: chrX-153762651-C-T.
Other names: c.636G>A, p.Arg212= (NM_000402.4); c.546G>A, p.Arg182= (NM_001042351.3).
Identifiers: ClinVar variation 3047764 (VCV003047764.3), dbSNP rs1557230386, ClinGen allele CA519305833.